The following is an entry in ClinVar:

ClinVar aggregate classification (germline): Likely pathogenic (1 of 4 stars; one submission).

Conditions:
Maturity-onset diabetes of the young (MODY). Also called: Maturity onset diabetes mellitus in young. Identifiers: Orphanet 552, MedGen C0342276, MONDO:0018911, HP:0004904.

Submission:

Women's Health and Genetics/Laboratory Corporation of America, LabCorp
Classification: Likely pathogenic for Maturity-onset diabetes of the young. Last evaluated: 2022-03-08. Review status: criteria provided, single submitter. Criteria: LabCorp Variant Classification Summary - May 2015. Collection method: clinical testing. Allele origin: germline.
Comment: Variant summary: HNF1A c.139_155del17 (p.Gly47ArgfsX7) results in a premature termination codon, predicted to cause a truncation of the encoded protein or absence of the protein due to nonsense mediated decay, which are commonly known mechanisms for disease. Truncations downstream of this position have been classified as pathogenic by our laboratory. The variant was absent in 243884 control chromosomes (gnomAD). To our knowledge, no occurrence of c.139_155del17 in individuals affected with Maturity Onset Diabetes Of The Young 3 and no experimental evidence demonstrating its impact on protein function have been reported. No clinical diagnostic laboratories have submitted clinical-significance assessments for this variant to ClinVar after 2014. Based on the evidence outlined above, the variant was classified as likely pathogenic.

NM_000545.8(HNF1A):c.139_155del (p.Gly47fs)

Gene: HNF1A (HNF1 homeobox A; plus strand). Cytogenetic location: 12q24.31.
Variant type: Deletion.
Coding change: c.139_155del on transcript NM_000545.8 (MANE Select); coding-DNA positions 139 to 155, 17 bases deleted (GGGGAGTCCTGCGGCGG).
Protein change: p.Gly47fs; shifts the reading frame from glycine 47.
Molecular consequence: frameshift variant.
Genome position (GRCh38, 1-based): chr12:120,978,907-120,978,923, GGGGAGTCCTGCGGCGG deleted; deleting any 17 consecutive bases within chr12:120,978,906-120,978,923 gives the same sequence; the c. name uses the placement nearest the transcript's 3' end. VCF-style (leftmost placement, unchanged base first): chr12-120978905-AGGGGGAGTCCTGCGGCG-A. GRCh37 (hg19) VCF-style: chr12-121416708-AGGGGGAGTCCTGCGGCG-A.
Other names: c.139_155del, p.Gly47fs (NM_001306179.2); short protein forms G47fs.
Identifiers: ClinVar variation 1677040 (VCV001677040.1), dbSNP rs2135819737, ClinGen allele CA2573148029.
Genomic context (GRCh38, chr12:120,978,905, plus strand): 5'-TGATCCAGGCACTGGGTGAGCCGGGGCCCTACCTCCTGGCTGGAGAAGGCCCCCTGGACA[AGGGGGAGTCCTGCGGCG>A]GCGGTCGAGGGGAGCTGGCTGAGCTGCCCAATGGGCTGGGGGAGACTCGGGGCTCCGAGG-3'